The following is an entry in ClinVar:

ClinVar aggregate classification (germline): Uncertain significance (1 of 4 stars; one submission).

gnomAD v4.1: 1 of 1,613,866 alleles (0.000062%); highest among the groups gnomAD compares: South Asian, 0.0011%; no homozygotes.

Submission:

GeneDx
Classification: Uncertain significance. Last evaluated: 2023-12-10. Review status: criteria provided, single submitter. Criteria: GeneDx Variant Classification Process June 2021. Collection method: clinical testing. Allele origin: germline. Affected: yes.
Comment: Not observed at significant frequency in large population cohorts (gnomAD); Missense variants in this gene are a common cause of disease and they are underrepresented in the general population; In silico analysis supports that this missense variant does not alter protein structure/function; Has not been previously published as pathogenic or benign to our knowledge; This variant is associated with the following publications: (PMID: 29493581)

NM_005633.4(SOS1):c.3932A>C (p.Lys1311Thr)

Gene: SOS1 (SOS Ras/Rac guanine nucleotide exchange factor 1; minus strand). Cytogenetic location: 2p22.1.
Variant type: single nucleotide variant.
Coding change: c.3932A>C on transcript NM_005633.4 (MANE Select); coding-DNA position 3932, A replaced by C.
Protein change: p.Lys1311Thr; replaces lysine 1311 with threonine.
Molecular consequence: missense variant.
Genome position (GRCh38, 1-based): chr2:38,985,894, T>G on the plus strand (A>C on the coding strand, the complement: SOS1 is on the minus strand). VCF-style: chr2-38985894-T-G. GRCh37 (hg19) VCF-style: chr2-39213035-T-G.
Other names: c.3911A>C, p.Lys1304Thr (NM_001382394.1); c.3887A>C, p.Lys1296Thr (NM_001382395.1); short protein forms K1296T, K1304T, K1311T.
Identifiers: ClinVar variation 3365232 (VCV003365232.1).